The following is an entry in ClinVar:

ClinVar aggregate classification (germline): Conflicting classifications of pathogenicity. Review status: criteria provided, conflicting classifications (1 of 4 stars). 3 submissions from 3 submitters: Uncertain significance (2); Likely benign (1). Last evaluated 2025-06-10.

Conditions:
Inborn genetic diseases. Identifiers: MedGen C0950123, MeSH D030342.

Allele frequency attached by ClinVar (database versions not stated): ExAC 0.00001; gnomAD 0.00001; gnomAD exomes 0.00002; TOPMed 0.00005.

Submissions (3):

Ambry Genetics
Classification: Uncertain significance for Inborn genetic diseases. Last evaluated: 2025-06-10. Review status: criteria provided, single submitter. Criteria: Ambry Variant Classification Scheme 2023. Collection method: clinical testing. Allele origin: germline.

GeneDx
Classification: Uncertain significance. Last evaluated: 2023-12-11. Review status: criteria provided, single submitter. Criteria: GeneDx Variant Classification Process June 2021. Collection method: clinical testing. Allele origin: germline. Affected: yes.
Comment: In silico analysis supports that this missense variant does not alter protein structure/function; Has not been previously published as pathogenic or benign to our knowledge

Labcorp Genetics (formerly Invitae), Labcorp
Classification: Likely benign. Last evaluated: 2022-03-29. Review status: criteria provided, single submitter. Criteria: Invitae Variant Classification Sherloc (09022015). Collection method: clinical testing. Allele origin: germline.

NM_006946.4(SPTBN2):c.7090G>A (p.Glu2364Lys)

Gene: SPTBN2 (spectrin beta, non-erythrocytic 2; minus strand). Cytogenetic location: 11q13.2.
Variant type: single nucleotide variant.
Coding change: c.7090G>A on transcript NM_006946.4 (MANE Select); coding-DNA position 7090, G replaced by A.
Protein change: p.Glu2364Lys; replaces glutamic acid 2364 with lysine.
Molecular consequence: missense variant.
Genome position (GRCh38, 1-based): chr11:66,685,954, C>T on the plus strand (G>A on the coding strand, the complement: SPTBN2 is on the minus strand). VCF-style: chr11-66685954-C-T. GRCh37 (hg19) VCF-style: chr11-66453425-C-T.
Other names: c.7090G>A (NM_006946.2); c.7111G>A, p.Glu2371Lys (NM_001411025.1); short protein forms E2371K, E2364K.
Identifiers: ClinVar variation 2183146 (VCV002183146.6), dbSNP rs775734881, ClinGen allele CA6127639.